The following is an entry in ClinVar:

ClinVar aggregate classification (germline): Likely benign (1 of 4 stars; one submission).

Submission:

GeneDx
Classification: Likely benign. Last evaluated: 2015-07-16. Review status: criteria provided, single submitter. Criteria: GeneDx Variant Classification (06012015). Collection method: clinical testing. Allele origin: germline. Affected: yes.
Comment: This variant is considered likely benign or benign based on one or more of the following criteria: it is a conservative change, it occurs at a poorly conserved position in the protein, it is predicted to be benign by multiple in silico algorithms, and/or has population frequency not consistent with disease.

NM_005378.6(MYCN):c.1196C>T (p.Ser399Phe)

Gene: MYCN (MYCN proto-oncogene, bHLH transcription factor; plus strand). Cytogenetic location: 2p24.3.
Variant type: single nucleotide variant.
Coding change: c.1196C>T on transcript NM_005378.6 (MANE Select); coding-DNA position 1196, C replaced by T.
Protein change: p.Ser399Phe; replaces serine 399 with phenylalanine.
Molecular consequence: missense variant. On other transcripts: 3 prime UTR variant (1).
Genome position (GRCh38, 1-based): chr2:15,945,898, C>T. VCF-style: chr2-15945898-C-T. GRCh37 (hg19) VCF-style: chr2-16086020-C-T.
Other names: c.1196C>T, p.Ser399Phe (NM_001293228.2); c.563C>T, p.Ser188Phe (NM_001293231.2); c.*1131C>T (NM_001293233.2); short protein forms S399F, S188F.
Identifiers: ClinVar variation 379543 (VCV000379543.1), dbSNP rs1057520637, ClinGen allele CA16604002.
Genomic context (GRCh38, chr2:15,945,898, plus strand): 5'-ACAGTGAGCGTCGCAGAAACCACAACATCCTGGAGCGCCAGCGCCGCAACGACCTTCGGT[C>T]CAGCTTTCTCACGCTCAGGGACCACGTGCCGGAGTTGGTAAAGAATGAGAAGGCCGCCAA-3'
Protein context (NP_005369.2, residues 389-409): LERQRRNDLR[Ser399Phe]SFLTLRDHVP